The following is an entry in ClinVar:

ClinVar aggregate classification (germline): Likely pathogenic (1 of 4 stars; one submission).

Conditions:
Primary ciliary dyskinesia 13. Also called: CILIARY DYSKINESIA, PRIMARY, 13, WITH OR WITHOUT SITUS INVERSUS. Identifiers: Orphanet 244, MedGen C2750790, MONDO:0013174, OMIM 613193.

Submission:

Juno Genomics, Hangzhou Juno Genomics, Inc
Classification: Likely pathogenic for Primary ciliary dyskinesia 13. Review status: criteria provided, single submitter. Criteria: ACMG Guidelines, 2015. Collection method: clinical testing. Allele origin: germline.
Comment: Null variant in a gene where loss of function (LOF) is a known mechanism of disease.;Absent from controls (or at extremely low frequency if recessive) in Genome Aggregation Database.

NM_178452.6(DNAAF1):c.1880_1881del (p.Lys627fs)

Gene: DNAAF1 (dynein axonemal assembly factor 1; plus strand). Cytogenetic location: 16q24.1.
Variant type: Deletion.
Coding change: c.1880_1881del on transcript NM_178452.6 (MANE Select); coding-DNA positions 1880 to 1881, 2 bases deleted (AA; older notation c.1880_1881delAA).
Protein change: p.Lys627fs; shifts the reading frame from lysine 627.
Molecular consequence: frameshift variant.
Genome position (GRCh38, 1-based): chr16:84,176,114-84,176,115, AA deleted; deleting any 2 consecutive bases within chr16:84,176,110-84,176,115 gives the same sequence; the c. name uses the placement nearest the transcript's 3' end. VCF-style (leftmost placement, unchanged base first): chr16-84176109-TAA-T. GRCh37 (hg19) VCF-style: chr16-84209715-TAA-T.
Other names: c.1172_1173del, p.Lys391fs (NM_001318756.1); short protein forms K627fs, K391fs.
Identifiers: ClinVar variation 5005649 (VCV005005649.2).